The following is an entry in ClinVar:

ClinVar aggregate classification (germline): Conflicting classifications of pathogenicity. Review status: criteria provided, conflicting classifications (1 of 4 stars). 6 submissions from 6 submitters: Likely pathogenic (3); Uncertain significance (1). 2 of the submissions do not count toward it. Last evaluated 2026-01-25.

Conditions:
Autosomal recessive congenital ichthyosis 1 (LI1). Also called: COLLODION FETUS; DESQUAMATION OF NEWBORN; ICHTHYOSIS CONGENITA; ICHTHYOSIS CONGENITA II; ICHTHYOSIS, CONGENITAL, AUTOSOMAL RECESSIVE 1, WITH BATHING SUIT DISTRIBUTION; ICHTHYOSIS, CONGENITAL, AUTOSOMAL RECESSIVE 1, WITH OR WITHOUT BATHING SUIT DISTRIBUTION. Identifiers: MedGen C4551630, MONDO:0009441, OMIM 242300.

Allele frequency attached by ClinVar (database versions not stated): gnomAD exomes below 0.00001 and 0.00002; gnomAD 0.00001; ESP Exome Variant Server 0.00008; TOPMed 0.00004.
gnomAD v4.1: 26 of 1,614,052 alleles (0.0016%); highest among the groups gnomAD compares: East Asian, 0.0022%; no homozygotes.

Submissions (6):

Labcorp Genetics (formerly Invitae), Labcorp
Classification: Likely pathogenic. Last evaluated: 2026-01-25. Review status: criteria provided, single submitter. Criteria: Invitae Variant Classification Sherloc (09022015). Collection method: clinical testing. Allele origin: germline.
Comment: This sequence change replaces valine, which is neutral and non-polar, with methionine, which is neutral and non-polar, at codon 359 of the TGM1 protein (p.Val359Met). This variant is present in population databases (rs202037016, gnomAD 0.0009%). This missense change has been observed in individuals with congenital ichthyosis ( (PMID: 19241467, 19500103). ClinVar contains an entry for this variant (Variation ID: 39532). Invitae Evidence Modeling of protein sequence and biophysical properties (such as structural, functional, and spatial information, amino acid conservation, physicochemical variation, residue mobility, and thermodynamic stability) indicates that this missense variant is expected to disrupt TGM1 protein function with a positive predictive value of 80%. Experimental studies have shown that this missense change affects TGM1 function (PMID: 19500103). In summary, the currently available evidence indicates that the variant is pathogenic, but additional data are needed to prove that conclusively. Therefore, this variant has been classified as Likely Pathogenic.

Natera, Inc.
Classification: Likely pathogenic for Autosomal recessive congenital ichthyosis type 1. Last evaluated: 2025-09-30. Review status: criteria provided, single submitter. Criteria: Natera Variant Classification Schema (03/2026). Collection method: clinical testing. Allele origin: germline.
Comment: The c.1075G>A variant in TGM1 is a missense variant predicted to cause substitution of valine to methionine at amino acid 359. This variant is rare in the general population with a frequency below the threshold expected for the associated phenotype(s). This variant has been observed in one or more individuals affected with the associated recessive disease, as either homozygous or compound heterozygous with a second variant (PMID: 19500103, 19241467). Functional studies show that this variant may disrupt protein function (PMID: 19500103). Computational prediction algorithms indicate this variant is likely to affect gene or protein function. Given the available evidence, this variant is classified as Likely Pathogenic.

Fulgent Genetics
Classification: Likely pathogenic for Autosomal recessive congenital ichthyosis 1. Last evaluated: 2024-06-10. Review status: criteria provided, single submitter. Criteria: ACMG Guidelines, 2015. Collection method: clinical testing. Allele origin: germline.

Women's Health and Genetics/Laboratory Corporation of America, LabCorp
Classification: Uncertain significance. Last evaluated: 2023-06-03. Review status: criteria provided, single submitter. Criteria: LabCorp Variant Classification Summary - May 2015. Collection method: clinical testing. Allele origin: germline.
Comment: Variant summary: TGM1 c.1075G>A (p.Val359Met) results in a conservative amino acid change in the encoded protein sequence. Four of five in-silico tools predict a damaging effect of the variant on protein function. The variant allele was found at a frequency of 4e-06 in 251160 control chromosomes. c.1075G>A has been reported in the literature as a compound heterozygous genotype in at-least two individuals affected with features of Autosomal recessive congenital ichthyosis (ARCI) or a novel phenotype of acral self-healing collodion baby (example, Herman_2009, Mazereeuw-Hautier_2009). The case report describing the novel phenotype of acral self-healing collodion baby reports its presence in a family with three segregating variants in the TGM1 gene (Mazereeuw-Hautier_2009). The proband was compound heterozygous for this paternally inherited variant and a maternally inherited p.Arg396His variant. While the sister was compound heterozygous for a different paternally inherited variant (c.1922_1926+2delGGCCTGT) and maternally inherited p.Arg396His variant seen in her proband sibling. The father who carries the deletion and the p.Val359Met mutation was reported as having no clinical symptoms, although the authors did not rule out the possibility that he was not aware of a very transient and mild anomaly of his skin at birth.. These data indicate that the variant may be associated with disease. At least one publication reports experimental evidence evaluating an impact on protein function (Mazereeuw-Hautier_2009). The most pronounced variant effect results in 12.8% of normal recombinant transglutaminase enzyme activity in-vitro. The following publications have been ascertained in the context of this evaluation (PMID: 19241467, 19500103). Two clinical diagnostic laboratories have submitted clinical-significance assessments for this variant to ClinVar after 2014. One laboratory classified the variant as likely pathogenic and one laboratory classified the variant as uncertain significance. Both labs cite overlapping evidence utilized in the context of this evaluation. Based on the evidence outlined above, the variant was classified as VUS-possibly pathogenic.

Counsyl
Classification: Uncertain significance for Autosomal recessive congenital ichthyosis 1. Last evaluated: 2017-02-03. Review status: no assertion criteria provided. Collection method: clinical testing. Allele origin: unknown. Not counted in ClinVar's aggregate classification.

OMIM
Classification: Pathogenic for ICHTHYOSIS, CONGENITAL, AUTOSOMAL RECESSIVE 1. Last evaluated: 2009-08-01. Review status: no assertion criteria provided. Collection method: literature only. Allele origin: germline. Not counted in ClinVar's aggregate classification.

Literature cited by the submitters: PubMed 19241467 (cited by 4 submitters); PubMed 19500103 (cited by 5 submitters).

NM_000359.3(TGM1):c.1075G>A (p.Val359Met)

Gene: TGM1 (transglutaminase 1; minus strand). Cytogenetic location: 14q12.
Variant type: single nucleotide variant.
Coding change: c.1075G>A on transcript NM_000359.3 (MANE Select); coding-DNA position 1075, G replaced by A.
Protein change: p.Val359Met; replaces valine 359 with methionine.
Molecular consequence: missense variant.
Genome position (GRCh38, 1-based): chr14:24,259,159, C>T on the plus strand (G>A on the coding strand, the complement: TGM1 is on the minus strand). VCF-style: chr14-24259159-C-T. GRCh37 (hg19) VCF-style: chr14-24728365-C-T.
Other names: short protein forms V359M.
Identifiers: ClinVar variation 39532 (VCV000039532.12), dbSNP rs202037016, ClinGen allele CA261154.